The following is an entry in ClinVar:

NM_000925.4(PDHB):c.793-76_793-75del

Gene: PDHB (pyruvate dehydrogenase E1 subunit beta; minus strand). Cytogenetic location: 3p14.3.
Variant type: Deletion.
Coding change: c.793-76_793-75del on transcript NM_000925.4 (MANE Select); 76 bases into the intron before coding-DNA position 793 through 75 bases into the intron before coding-DNA position 793, 2 bases deleted (AG; older notation c.793-76_793-75delAG).
Molecular consequence: intron variant.
Genome position (GRCh38, 1-based): chr3:58,428,689-58,428,690, CT deleted on the plus strand (AG on the coding strand, the reverse complement: PDHB is on the minus strand). VCF-style (leftmost placement, unchanged base first): chr3-58428688-CCT-C. GRCh37 (hg19) VCF-style: chr3-58414415-CCT-C.
Other names: c.739-76_739-75del (NM_001315536.2, NM_001173468.2).
Identifiers: ClinVar variation 676166 (VCV000676166.1), dbSNP rs143575120, ClinGen allele CA75455248.

ClinVar aggregate classification (germline): Benign (1 of 4 stars; one submission).

Allele frequency attached by ClinVar (database versions not stated): gnomAD exomes 0.08278; 1000 Genomes Project 0.11921; 1000 Genomes Project 30x 0.12289; gnomAD 0.13034 and 0.13582; TOPMed 0.13814.

Submission:

GeneDx
Classification: Benign. Last evaluated: 2018-06-16. Review status: criteria provided, single submitter. Criteria: GeneDx Variant Classification (06012015). Collection method: clinical testing. Allele origin: germline. Affected: yes.
Comment: This variant is considered likely benign or benign based on one or more of the following criteria: it is a conservative change, it occurs at a poorly conserved position in the protein, it is predicted to be benign by multiple in silico algorithms, and/or has population frequency not consistent with disease.